The following is an entry in ClinVar:

ClinVar aggregate classification (germline): Likely benign (1 of 4 stars; one submission).

Submission:

GeneDx
Classification: Likely benign. Last evaluated: 2017-05-11. Review status: criteria provided, single submitter. Criteria: GeneDx Variant Classification (06012015). Collection method: clinical testing. Allele origin: germline. Affected: yes.
Comment: This variant is considered likely benign or benign based on one or more of the following criteria: it is a conservative change, it occurs at a poorly conserved position in the protein, it is predicted to be benign by multiple in silico algorithms, and/or has population frequency not consistent with disease.

NM_000371.4(TTR):c.216T>G (p.Ser72=)

Gene: TTR (transthyretin; plus strand). Cytogenetic location: 18q12.1.
Variant type: single nucleotide variant.
Coding change: c.216T>G on transcript NM_000371.4 (MANE Select); coding-DNA position 216, T replaced by G.
Protein change: p.Ser72=; no amino-acid change (serine 72 retained).
Molecular consequence: synonymous variant.
Genome position (GRCh38, 1-based): chr18:31,595,135, T>G. VCF-style: chr18-31595135-T-G. GRCh37 (hg19) VCF-style: chr18-29175098-T-G.
Identifiers: ClinVar variation 509598 (VCV000509598.1), dbSNP rs1555631392, ClinGen allele CA503610338.